The following is an entry in ClinVar:

ClinVar aggregate classification (germline): Uncertain significance (1 of 4 stars; one submission).

gnomAD v4.1: 64 of 1,550,696 alleles (0.0041%); highest among the groups gnomAD compares: Middle Eastern, 0.017%; no homozygotes.

Submission:

GeneDx
Classification: Uncertain significance. Last evaluated: 2023-10-05. Review status: criteria provided, single submitter. Criteria: GeneDx Variant Classification Process June 2021. Collection method: clinical testing. Allele origin: germline. Affected: yes.
Comment: In silico analysis supports a deleterious effect on splicing; Reported using an alternate transcript of the gene; This variant is associated with the following publications: (PMID: 33726816)

NM_001244008.2(KIF1A):c.2831G>A (p.Arg944Gln)

Gene: KIF1A (kinesin family member 1A; minus strand). Cytogenetic location: 2q37.3.
Variant type: single nucleotide variant.
Coding change: c.2831G>A on transcript NM_001244008.2 (MANE Select); coding-DNA position 2831, G replaced by A.
Protein change: p.Arg944Gln; replaces arginine 944 with glutamine.
Molecular consequence: missense variant. On other transcripts: intron variant (18).
Genome position (GRCh38, 1-based): chr2:240,757,346, C>T on the plus strand (G>A on the coding strand, the complement: KIF1A is on the minus strand). VCF-style: chr2-240757346-C-T. GRCh37 (hg19) VCF-style: chr2-241696763-C-T.
Other names: c.2906G>A, p.Arg969Gln (NM_001379631.1); c.2780G>A, p.Arg927Gln (NM_001379632.1); c.2804G>A, p.Arg935Gln (NM_001379633.1, NM_001379642.1, NM_001379645.1); c.2555+1014G>A (NM_001379653.1, NM_001379650.1, NM_001379640.1 and 6 more transcripts); c.2657+1014G>A (NM_001379635.1, NM_001330290.2, NM_001379646.1 and 1 more transcripts); c.2630+1014G>A (NM_001379637.1, NM_001379648.1); c.2582+1014G>A (NM_001320705.2, NM_001379638.1, NM_001330289.2); short protein forms R927Q, R935Q, R944Q, R969Q.
Identifiers: ClinVar variation 3343942 (VCV003343942.1).
Genomic context (GRCh38, chr2:240,757,346, plus strand): 5'-CCTCCCCAGCATGCTCTCCTCGACCTCACCAACCTTCCTACTAAACTGAACAGGGGGGGC[C>T]GGTCGTAAAACGGGTCCCGGCCGTCGCACAGCGCGTGCTCCGGAAAGACGTCGTCCTCCA-3'
Protein context (NP_001230937.1, residues 934-954): LCDGRDPFYD[Arg944Gln]PPLFSLVGRA